The following is an entry in ClinVar:

ClinVar aggregate classification (germline): Uncertain significance (1 of 4 stars; one submission).

Conditions:
Cardiovascular phenotype. Identifiers: MedGen CN230736.

Submission:

Ambry Genetics
Classification: Uncertain significance for Cardiovascular phenotype. Last evaluated: 2025-12-28. Review status: criteria provided, single submitter. Criteria: Ambry Variant Classification Scheme 2023. Collection method: clinical testing. Allele origin: germline.
Comment: The p.D11Y variant (also known as c.31G>T), located in coding exon 1 of the SPRED1 gene, results from a G to T substitution at nucleotide position 31. The aspartic acid at codon 11 is replaced by tyrosine, an amino acid with highly dissimilar properties. This amino acid position is conserved. In addition, this alteration is predicted to be deleterious by in silico analysis. Based on the available evidence, the clinical significance of this variant remains unclear.

NM_152594.3(SPRED1):c.31G>T (p.Asp11Tyr)

Gene: SPRED1 (sprouty related EVH1 domain containing 1; plus strand). Cytogenetic location: 15q14.
Variant type: single nucleotide variant.
Coding change: c.31G>T on transcript NM_152594.3 (MANE Select); coding-DNA position 31, G replaced by T.
Protein change: p.Asp11Tyr; replaces aspartic acid 11 with tyrosine.
Molecular consequence: missense variant.
Genome position (GRCh38, 1-based): chr15:38,253,216, G>T. VCF-style: chr15-38253216-G-T. GRCh37 (hg19) VCF-style: chr15-38545417-G-T.
Other names: short protein forms D11Y.
Identifiers: ClinVar variation 4843972 (VCV004843972.1).